The following is an entry in ClinVar:

NM_018117.12(WDR11):c.1153del (p.Leu385fs)

Gene: WDR11 (WD repeat domain 11; plus strand). Cytogenetic location: 10q26.12.
Variant type: Deletion.
Coding change: c.1153del on transcript NM_018117.12 (MANE Select); coding-DNA position 1153, one base deleted (C; older notation c.1153delC).
Protein change: p.Leu385fs; shifts the reading frame from leucine 385.
Molecular consequence: frameshift variant.
Genome position (GRCh38, 1-based): chr10:120,866,727, C deleted. VCF-style (leftmost placement, unchanged base first): chr10-120866726-AC-A. GRCh37 (hg19) VCF-style: chr10-122626238-AC-A.
Other names: short protein forms L385fs.
Identifiers: ClinVar variation 2103265 (VCV002103265.4), dbSNP rs2493271322, ClinGen allele CA2580082422.

ClinVar aggregate classification (germline): Pathogenic (1 of 4 stars; one submission).

Submission:

Labcorp Genetics (formerly Invitae), Labcorp
Classification: Pathogenic. Last evaluated: 2022-09-19. Review status: criteria provided, single submitter. Criteria: Invitae Variant Classification Sherloc (09022015). Collection method: clinical testing. Allele origin: germline.
Comment: This variant is not present in population databases (gnomAD no frequency). For these reasons, this variant has been classified as Pathogenic. This premature translational stop signal has been observed in individual(s) with WDR11-related conditions (Invitae). This sequence change creates a premature translational stop signal (p.Leu385Serfs*31) in the WDR11 gene. It is expected to result in an absent or disrupted protein product. Loss-of-function variants in WDR11 are known to be pathogenic (PMID: 34413497).

Literature cited by the submitters: PubMed 34413497.